The following is an entry in ClinVar:

NM_001267550.2(TTN):c.22241-5T>C

Gene: TTN (titin; minus strand). Cytogenetic location: 2q31.2.
Variant type: single nucleotide variant.
Coding change: c.22241-5T>C on transcript NM_001267550.2 (MANE Select); 5 bases into the intron before coding-DNA position 22241, T replaced by C.
Molecular consequence: intron variant.
Genome position (GRCh38, 1-based): chr2:178,722,551, A>G on the plus strand (T>C on the coding strand, the complement: TTN is on the minus strand). VCF-style: chr2-178722551-A-G. GRCh37 (hg19) VCF-style: chr2-179587278-A-G.
Other names: c.13282+15531T>C (NM_003319.4); c.13858+15531T>C (NM_133437.4); c.13657+15531T>C (NM_133432.3); c.18509-5T>C (NM_133378.4); c.21290-5T>C (NM_001256850.1); c.22241-5T>C (NM_001267550.1).
Identifiers: ClinVar variation 46697 (VCV000046697.33), dbSNP rs397517501, ClinGen allele CA138993.

ClinVar aggregate classification (germline): Conflicting classifications of pathogenicity. Review status: criteria provided, conflicting classifications (1 of 4 stars). 7 submissions from 7 submitters: Uncertain significance (3); Likely benign (3). 1 of the submissions does not count toward it. Last evaluated 2026-01-19.

Conditions:
TTN-related disorder. Also called: TTN-related condition; TTN-related disease; TTN-related disorders.
Dilated cardiomyopathy 1G (CMD1G). Identifiers: Orphanet 154, MedGen C1858763, MONDO:0011400, OMIM 604145.
Autosomal recessive limb-girdle muscular dystrophy type 2J (LGMDR10). Also called: Limb-girdle muscular dystrophy, type 2J; MUSCULAR DYSTROPHY, LIMB-GIRDLE, AUTOSOMAL RECESSIVE 10. Identifiers: Orphanet 140922, MedGen C1837342, MONDO:0012127, OMIM 608807.

Allele frequency attached by ClinVar (database versions not stated): ExAC 0.00003; TOPMed 0.00003; gnomAD exomes 0.00004 and 0.00006; gnomAD 0.00005 and 0.00006.
gnomAD v4.1: 103 of 1,609,132 alleles (0.0064%); highest among the groups gnomAD compares: Middle Eastern, 0.033%; no homozygotes.

Submissions (7):

Labcorp Genetics (formerly Invitae), Labcorp
Classification: Likely benign for Dilated cardiomyopathy 1G; Autosomal recessive limb-girdle muscular dystrophy type 2J. Last evaluated: 2026-01-19. Review status: criteria provided, single submitter. Criteria: Invitae Variant Classification Sherloc (09022015). Collection method: clinical testing. Allele origin: germline.

Blueprint Genetics
Classification: Likely benign. Last evaluated: 2024-11-06. Review status: criteria provided, single submitter. Criteria: ACMG Guidelines, 2015. Collection method: clinical testing. Allele origin: germline.

CeGaT Center for Human Genetics Tuebingen
Classification: Uncertain significance. Last evaluated: 2024-11-01. Review status: criteria provided, single submitter. Criteria: CeGaT Center For Human Genetics Tuebingen Variant Classification Criteria Version 2. Collection method: clinical testing. Allele origin: germline. Affected: yes. Observed: 1 variant allele.
Comment: TTN: PM2, BP4

Athena Diagnostics
Classification: Uncertain significance. Last evaluated: 2024-04-26. Review status: criteria provided, single submitter. Criteria: Athena Diagnostics Criteria. Collection method: clinical testing. Allele origin: unknown.
Comment: Available data are insufficient to determine the clinical significance of the variant at this time. The frequency of this variant in the general population is uninformative in assessment of its pathogenicity. Computational tools yielded predictions that this variant is unlikely to have an effect on normal RNA splicing.

GeneDx
Classification: Likely benign. Last evaluated: 2019-04-11. Review status: criteria provided, single submitter. Criteria: GeneDx Variant Classification Process June 2021. Collection method: clinical testing. Allele origin: germline. Affected: yes.
Comment: This variant is associated with the following publications: (PMID: 24503780)

Laboratory for Molecular Medicine, Mass General Brigham Personalized Medicine
Classification: Uncertain significance. Last evaluated: 2012-05-01. Review status: criteria provided, single submitter. Criteria: LMM Criteria. Collection method: clinical testing. Allele origin: germline. Observed: 1 variant allele.
Comment: The 18509-5T>C variant (TTN) has not been reported in the literature nor previou sly identified by our laboratory. It was absent from >3,000 European American in dividuals sequenced by the NHLBI exome sequencing project. This low frequency is consistent with a disease causing role but i nsufficient to establish this with confidence. This variant is located in the 3 ' splice region. Computational tools do not predict altered splicing. However, t his information is not predictive enough to rule out pathogenicity. In summary, additional information is needed to fully assess the clinical significance of th e 18509-5T>C variant.

PreventionGenetics, part of Exact Sciences
Classification: Likely benign for TTN-related condition. Last evaluated: 2020-07-09. Review status: no assertion criteria provided. Collection method: clinical testing. Allele origin: germline. Not counted in ClinVar's aggregate classification.
Comment: This variant is classified as likely benign based on ACMG/AMP sequence variant interpretation guidelines (Richards et al. 2015 PMID: 25741868, with internal and published modifications).